The following is an entry in ClinVar:

ClinVar aggregate classification (germline): Likely benign. Review status: criteria provided, multiple submitters, no conflicts (2 of 4 stars). 3 submissions from 3 submitters: Likely benign (2). 1 of the submissions does not count toward it. Last evaluated 2026-01-18.

Conditions:
Hereditary cancer-predisposing syndrome. Also called: Hereditary neoplastic syndrome; Hereditary Cancer Syndrome; Tumor predisposition; Neoplastic Syndromes, Hereditary. Identifiers: Orphanet 140162, MedGen C0027672, MeSH D009386, MONDO:0015356.
Familial adenomatous polyposis 1 (FAP1). Also called: FAMILIAL ADENOMATOUS POLYPOSIS 1, ATTENUATED; POLYPOSIS, ADENOMATOUS INTESTINAL. Identifiers: MedGen C2713442, MONDO:0021056, OMIM 175100. Disease mechanism: loss of function.
APC-related disorder. Also called: APC-related condition.

Submissions (3):

Labcorp Genetics (formerly Invitae), Labcorp
Classification: Likely benign for Familial adenomatous polyposis 1. Last evaluated: 2026-01-18. Review status: criteria provided, single submitter. Criteria: Invitae Variant Classification Sherloc (09022015). Collection method: clinical testing. Allele origin: germline.

Ambry Genetics
Classification: Likely benign for Hereditary cancer-predisposing syndrome. Last evaluated: 2020-12-07. Review status: criteria provided, single submitter. Criteria: Ambry Variant Classification Scheme 2023. Collection method: clinical testing. Allele origin: germline.

PreventionGenetics, part of Exact Sciences
Classification: Likely benign for APC-related condition. Last evaluated: 2021-06-21. Review status: no assertion criteria provided. Collection method: clinical testing. Allele origin: germline. Not counted in ClinVar's aggregate classification.
Comment: This variant is classified as likely benign based on ACMG/AMP sequence variant interpretation guidelines (Richards et al. 2015 PMID: 25741868, with internal and published modifications).

NM_000038.6(APC):c.3624C>A (p.Thr1208=)

Gene: APC (APC regulator of Wnt signaling pathway; plus strand). Cytogenetic location: 5q22.2.
Variant type: single nucleotide variant.
Coding change: c.3624C>A on transcript NM_000038.6 (MANE Select); coding-DNA position 3624, C replaced by A.
Protein change: p.Thr1208=; no amino-acid change (threonine 1208 retained).
Molecular consequence: synonymous variant.
Genome position (GRCh38, 1-based): chr5:112,839,218, C>A. VCF-style: chr5-112839218-C-A. GRCh37 (hg19) VCF-style: chr5-112174915-C-A.
Other names: c.3624C>A, p.Thr1208= (NM_001127510.3, NM_001354895.2); c.3570C>A, p.Thr1190= (NM_001127511.3); c.3678C>A, p.Thr1226= (NM_001354896.2); c.3654C>A, p.Thr1218= (NM_001354897.2); c.3549C>A, p.Thr1183= (NM_001354898.2); c.3540C>A, p.Thr1180= (NM_001354899.2); c.3501C>A, p.Thr1167= (NM_001354900.2); c.3447C>A, p.Thr1149= (NM_001354901.2); and 5 more.
Identifiers: ClinVar variation 1139628 (VCV001139628.13), dbSNP rs730882125, ClinGen allele CA445963769.
Genomic context (GRCh38, chr5:112,839,218, plus strand): 5'-TTCATCACAGAAACAGTCATTTTCATTCTCAAAGAGTTCATCTGGACAAAGCAGTAAAAC[C>A]GAACATATGTCTTCAAGCAGTGAGAATACGTCCACACCTTCATCTAATGCCAAGAGGCAG-3'
Protein context (NP_000029.2, residues 1198-1218): SKSSSGQSSK[Thr1208=]EHMSSSSENT